The following is an entry in ClinVar:

ClinVar aggregate classification (germline): Likely benign. Review status: criteria provided, multiple submitters, no conflicts (2 of 4 stars). 2 submissions from 2 submitters: Likely benign (2). Last evaluated 2025-04-23.

Allele frequency attached by ClinVar (database versions not stated): gnomAD exomes below 0.00001; gnomAD 0.00001.
gnomAD v4.1: 4 of 1,610,304 alleles (0.00025%); highest among the groups gnomAD compares: African/African-American, 0.004%; no homozygotes.

Submissions (2):

Mayo Clinic Laboratories, Mayo Clinic
Classification: Likely benign. Last evaluated: 2025-04-23. Review status: criteria provided, single submitter. Criteria: ACMG Guidelines, 2015. Collection method: clinical testing. Allele origin: germline. Observed: 1 variant allele.
Comment: BP4, BP7

Labcorp Genetics (formerly Invitae), Labcorp
Classification: Likely benign. Last evaluated: 2023-07-25. Review status: criteria provided, single submitter. Criteria: Invitae Variant Classification Sherloc (09022015). Collection method: clinical testing. Allele origin: germline.

NM_024407.5(NDUFS7):c.249C>T (p.Thr83=)

Gene: NDUFS7 (NADH:ubiquinone oxidoreductase core subunit S7; plus strand). Cytogenetic location: 19p13.3.
Variant type: single nucleotide variant.
Coding change: c.249C>T on transcript NM_024407.5 (MANE Select); coding-DNA position 249, C replaced by T.
Protein change: p.Thr83=; no amino-acid change (threonine 83 retained).
Molecular consequence: synonymous variant.
Genome position (GRCh38, 1-based): chr19:1,390,891, C>T. VCF-style: chr19-1390891-C-T. GRCh37 (hg19) VCF-style: chr19-1390890-C-T.
Other names: p.Thr83=; c.249C>T, p.Thr83= (NM_001363602.2).
Identifiers: ClinVar variation 2876715 (VCV002876715.4), dbSNP rs1416733150, ClinGen allele CA504716171.